The following is an entry in ClinVar:

NM_001042492.3(NF1):c.2431A>G (p.Thr811Ala)

Gene: NF1 (neurofibromin 1; plus strand). Cytogenetic location: 17q11.2.
Variant type: single nucleotide variant.
Coding change: c.2431A>G on transcript NM_001042492.3 (MANE Select); coding-DNA position 2431, A replaced by G.
Protein change: p.Thr811Ala; replaces threonine 811 with alanine.
Molecular consequence: missense variant.
Genome position (GRCh38, 1-based): chr17:31,229,046, A>G. VCF-style: chr17-31229046-A-G. GRCh37 (hg19) VCF-style: chr17-29556064-A-G.
Other names: c.2431A>G, p.Thr811Ala (NM_000267.4); short protein forms T811A.
Identifiers: ClinVar variation 2677187 (VCV002677187.3), dbSNP rs2508181464, ClinGen allele CA398983860.

ClinVar aggregate classification (germline): Uncertain significance. Review status: criteria provided, multiple submitters, no conflicts (2 of 4 stars). 3 submissions from 3 submitters: Uncertain significance (3). Last evaluated 2025-02-25.

Conditions:
Cardiovascular phenotype. Identifiers: MedGen CN230736.
Hereditary cancer-predisposing syndrome. Also called: Neoplastic Syndromes, Hereditary; Tumor predisposition; Hereditary Cancer Syndrome; Hereditary neoplastic syndrome. Identifiers: Orphanet 140162, MedGen C0027672, MeSH D009386, MONDO:0015356.
Juvenile myelomonocytic leukemia (JMML). Also called: LEUKEMIA, JUVENILE MYELOMONOCYTIC, SOMATIC. Identifiers: Orphanet 86834, MedGen C0349639, MONDO:0011908, OMIM 607785, HP:0012209.

Submissions (3):

ARUP Laboratories, Molecular Genetics and Genomics, ARUP Laboratories
Classification: Uncertain significance. Last evaluated: 2025-02-25. Review status: criteria provided, single submitter. Criteria: ARUP Molecular Germline Variant Investigation Process 2024. Collection method: clinical testing. Allele origin: germline.
Comment: The NF1 c.2431A>G; p.Thr811Ala variant, to our knowledge, is not reported in the medical literature but is reported in ClinVar (Variation ID: 2677187). This variant is absent from the Genome Aggregation Database (v2.1.1), indicating it is not a common polymorphism. Computational analyses are uncertain whether this variant is neutral or deleterious (REVEL: 0.213). Due to limited information, the clinical significance of this variant is uncertain at this time.

Baylor Genetics
Classification: Uncertain significance for Juvenile myelomonocytic leukemia. Last evaluated: 2023-09-15. Review status: criteria provided, single submitter. Criteria: ACMG Guidelines, 2015. Collection method: clinical testing. Allele origin: unknown.

Ambry Genetics
Classification: Uncertain significance for Cardiovascular phenotype; Hereditary cancer-predisposing syndrome. Last evaluated: 2023-06-13. Review status: criteria provided, single submitter. Criteria: Ambry Variant Classification Scheme 2023. Collection method: clinical testing. Allele origin: germline.
Comment: The p.T811A variant (also known as c.2431A>G), located in coding exon 21 of the NF1 gene, results from an A to G substitution at nucleotide position 2431. The threonine at codon 811 is replaced by alanine, an amino acid with similar properties. This amino acid position is conserved. In addition, this alteration is predicted to be tolerated by in silico analysis. Since supporting evidence is limited at this time, the clinical significance of this alteration remains unclear.